The following is an entry in ClinVar:

NM_001376.5(DYNC1H1):c.12834C>T (p.Phe4278=)

Gene: DYNC1H1 (dynein cytoplasmic 1 heavy chain 1; plus strand). Cytogenetic location: 14q32.31.
Variant type: single nucleotide variant.
Coding change: c.12834C>T on transcript NM_001376.5 (MANE Select); coding-DNA position 12834, C replaced by T.
Protein change: p.Phe4278=; no amino-acid change (phenylalanine 4278 retained).
Molecular consequence: synonymous variant.
Genome position (GRCh38, 1-based): chr14:102,044,423, C>T. VCF-style: chr14-102044423-C-T. GRCh37 (hg19) VCF-style: chr14-102510760-C-T.
Identifiers: ClinVar variation 434979 (VCV000434979.21), dbSNP rs201126154, ClinGen allele CA7354044.

ClinVar aggregate classification (germline): Likely benign. Review status: criteria provided, multiple submitters, no conflicts (2 of 4 stars). 5 submissions from 5 submitters: Likely benign (5). Last evaluated 2025-12-16.

Conditions:
DYNC1H1-related disorder. Also called: DYNC1H1-related disorders; DYNC1H1-related condition. Identifiers: MedGen CN381529.
Inborn genetic diseases. Identifiers: MedGen C0950123, MeSH D030342.
Charcot-Marie-Tooth disease axonal type 2O. Also called: Charcot-Marie-Tooth Neuropathy Type 2O; CHARCOT-MARIE-TOOTH NEUROPATHY, AXONAL, TYPE 2O; CHARCOT-MARIE-TOOTH DISEASE, AXONAL, AUTOSOMAL DOMINANT, TYPE 2O; Charcot-Marie-Tooth disease, axonal, type 20. Identifiers: Orphanet 284232, MedGen C3280220, MONDO:0013644, OMIM 614228.

Allele frequency attached by ClinVar (database versions not stated): gnomAD exomes 0.00001 and 0.00002; ExAC 0.00003; gnomAD 0.00012 and 0.00014; TOPMed 0.00026.
gnomAD v4.1: 36 of 1,614,032 alleles (0.0022%); highest among the groups gnomAD compares: Admixed American, 0.028%; 1 homozygote.

Submissions (5):

Labcorp Genetics (formerly Invitae), Labcorp
Classification: Likely benign for Charcot-Marie-Tooth disease axonal type 2O. Last evaluated: 2025-12-16. Review status: criteria provided, single submitter. Criteria: Invitae Variant Classification Sherloc (09022015). Collection method: clinical testing. Allele origin: germline.

PreventionGenetics, part of Exact Sciences
Classification: Likely benign for DYNC1H1-related condition. Last evaluated: 2025-05-13. Review status: criteria provided, single submitter. Criteria: ACMG Guidelines, 2015. Collection method: clinical testing. Allele origin: germline.
Comment: This variant is classified as likely benign based on ACMG/AMP sequence variant interpretation guidelines (Richards et al. 2015 PMID: 25741868, with internal and published modifications).

GeneDx
Classification: Likely benign. Last evaluated: 2020-09-22. Review status: criteria provided, single submitter. Criteria: GeneDx Variant Classification Process June 2021. Collection method: clinical testing. Allele origin: germline. Affected: yes.

Ambry Genetics
Classification: Likely benign for Inborn genetic diseases. Last evaluated: 2017-02-07. Review status: criteria provided, single submitter. Criteria: Ambry Variant Classification Scheme 2023. Collection method: clinical testing. Allele origin: germline.

Genetic Services Laboratory, University of Chicago
Classification: Likely benign. Last evaluated: 2016-04-12. Review status: criteria provided, single submitter. Criteria: ACMG Guidelines, 2015. Collection method: clinical testing. Allele origin: germline. Affected: no.